The following is an entry in ClinVar:

NM_002900.3(RBP3):c.1138T>G (p.Ser380Ala)

Gene: RBP3 (retinol binding protein 3; plus strand). Cytogenetic location: 10q11.22.
Variant type: single nucleotide variant.
Coding change: c.1138T>G on transcript NM_002900.3 (MANE Select); coding-DNA position 1138, T replaced by G.
Protein change: p.Ser380Ala; replaces serine 380 with alanine.
Molecular consequence: missense variant.
Genome position (GRCh38, 1-based): chr10:47,349,622, T>G. VCF-style: chr10-47349622-T-G. GRCh37 (hg19) VCF-style: chr10-48389740-A-C.
Other names: short protein forms S380A.
Identifiers: ClinVar variation 1394575 (VCV001394575.7), dbSNP rs201355398, ClinGen allele CA5487598.

ClinVar aggregate classification (germline): Uncertain significance. Review status: criteria provided, multiple submitters, no conflicts (2 of 4 stars). 2 submissions from 2 submitters: Uncertain significance (2). Last evaluated 2023-10-01.

Conditions:
Retinal dystrophy. Also called: Inherited retinal dystrophy. Identifiers: Orphanet 71862, MedGen C0854723, MeSH D058499, MONDO:0019118, HP:0000556.

Allele frequency attached by ClinVar (database versions not stated): gnomAD exomes below 0.00001 and 0.00006; TOPMed below 0.00001; gnomAD 0.00001 and 0.00002; ExAC 0.00002; 1000 Genomes Project 30x 0.00031; 1000 Genomes Project 0.00040.
gnomAD v4.1: 37 of 1,612,708 alleles (0.0023%); highest among the groups gnomAD compares: East Asian, 0.08%; no homozygotes.

Submissions (2):

Dept Of Ophthalmology, Nagoya University
Classification: Uncertain significance for Retinal dystrophy. Last evaluated: 2023-10-01. Review status: criteria provided, single submitter. Criteria: Submitter's publication. Collection method: research. Allele origin: germline. Affected: yes.

Labcorp Genetics (formerly Invitae), Labcorp
Classification: Uncertain significance. Last evaluated: 2022-07-12. Review status: criteria provided, single submitter. Criteria: Invitae Variant Classification Sherloc (09022015). Collection method: clinical testing. Allele origin: germline.
Comment: In summary, the available evidence is currently insufficient to determine the role of this variant in disease. Therefore, it has been classified as a Variant of Uncertain Significance. Algorithms developed to predict the effect of missense changes on protein structure and function are either unavailable or do not agree on the potential impact of this missense change (SIFT: "Deleterious"; PolyPhen-2: "Possibly Damaging"; Align-GVGD: "Class C0"). ClinVar contains an entry for this variant (Variation ID: 1394575). This variant has not been reported in the literature in individuals affected with RBP3-related conditions. This variant is present in population databases (rs201355398, gnomAD 0.01%). This sequence change replaces serine, which is neutral and polar, with alanine, which is neutral and non-polar, at codon 380 of the RBP3 protein (p.Ser380Ala).